The following is an entry in ClinVar:

ClinVar aggregate classification (germline): Uncertain significance (1 of 4 stars; one submission).

Allele frequency attached by ClinVar (database versions not stated): gnomAD exomes 0.00001.
gnomAD v4.1: 10 of 1,614,158 alleles (0.00062%); highest among the groups gnomAD compares: East Asian, 0.0022%; no homozygotes.

Submission:

GeneDx
Classification: Uncertain significance. Last evaluated: 2019-12-10. Review status: criteria provided, single submitter. Criteria: GeneDx Variant Classification Process June 2021. Collection method: clinical testing. Allele origin: germline. Affected: yes.
Comment: Not observed at a significant frequency in large population cohorts (Lek et al., 2016); In silico analysis, which includes protein predictors and evolutionary conservation, supports a deleterious effect; Has not been previously published as pathogenic or benign to our knowledge

NM_001130987.2(DYSF):c.3793C>T (p.Pro1265Ser)

Gene: DYSF (dysferlin; plus strand). Cytogenetic location: 2p13.2.
Variant type: single nucleotide variant.
Coding change: c.3793C>T on transcript NM_001130987.2 (MANE Select); coding-DNA position 3793, C replaced by T.
Protein change: p.Pro1265Ser; replaces proline 1265 with serine.
Molecular consequence: missense variant.
Genome position (GRCh38, 1-based): chr2:71,600,738, C>T. VCF-style: chr2-71600738-C-T. GRCh37 (hg19) VCF-style: chr2-71827868-C-T.
Other names: c.3742C>T, p.Pro1248Ser (NM_001130455.2, NM_001130983.2); c.3697C>T, p.Pro1233Ser (NM_001130976.2, NM_001130977.2); c.3739C>T, p.Pro1247Ser (NM_001130978.2, NM_003494.4); c.3832C>T, p.Pro1278Ser (NM_001130979.2); c.3790C>T, p.Pro1264Ser (NM_001130980.2, NM_001130981.2); c.3835C>T, p.Pro1279Ser (NM_001130982.2); c.3700C>T, p.Pro1234Ser (NM_001130984.2, NM_001130986.2); c.3793C>T, p.Pro1265Ser (NM_001130985.2); short protein forms P1233S, P1234S, P1247S, P1248S, P1264S, P1265S, P1278S, P1279S.
Identifiers: ClinVar variation 1310871 (VCV001310871.2), dbSNP rs1169519723, ClinGen allele CA347225049.
Genomic context (GRCh38, chr2:71,600,738, plus strand): 5'-CTTGTCTCTCTACGCTTGGTCTAGGGTGCAGACGAGTTTATGGGTCGCTGCATCTGTCAA[C>T]CGAGTCTGGAACGGATGCCACGGCTGGCCTGGTTCCCACTGACGAGGGGCAGCCAGCCGT-3'
Protein context (NP_001124459.1, residues 1255-1275): DEFMGRCICQ[Pro1265Ser]SLERMPRLAW